The following is an entry in ClinVar:

NM_015057.5(MYCBP2):c.7188-2A>G

Gene: MYCBP2 (MYC binding protein 2; minus strand). Cytogenetic location: 13q22.3.
Variant type: single nucleotide variant.
Coding change: c.7188-2A>G on transcript NM_015057.5 (MANE Select); the canonical splice acceptor site of the intron before coding-DNA position 7188, A replaced by G.
Molecular consequence: splice acceptor variant.
Genome position (GRCh38, 1-based): chr13:77,144,562, T>C on the plus strand (A>G on the coding strand, the complement: MYCBP2 is on the minus strand). VCF-style: chr13-77144562-T-C. GRCh37 (hg19) VCF-style: chr13-77718697-T-C.
Identifiers: ClinVar variation 3342347 (VCV003342347.1).
Genomic context (GRCh38, chr13:77,144,562, plus strand): 5'-TCCAATTTGCACAATAAGTCCCATCATTATTGACACGGATCAGCATATTCTCACTGGGTC[T>C]GAAAAGAAATAAGATGGATATTGGAAATTTTACTTTTGGTTAAGCAGTCAACATCATTAC-3'

ClinVar aggregate classification (germline): Likely pathogenic (1 of 4 stars; one submission).

gnomAD v4.1: 3 of 1,595,024 alleles (0.00019%); highest among the groups gnomAD compares: African/African-American, 0.004%; no homozygotes.

Submission:

GeneDx
Classification: Likely pathogenic. Last evaluated: 2023-05-26. Review status: criteria provided, single submitter. Criteria: GeneDx Variant Classification Process June 2021. Collection method: clinical testing. Allele origin: germline. Affected: yes.
Comment: Canonical splice site variant predicted to result in a null allele in a gene for which loss of function is a known mechanism of disease; Not observed at significant frequency in large population cohorts (gnomAD); Has not been previously published as pathogenic or benign to our knowledge